The following is an entry in ClinVar:

ClinVar aggregate classification (germline): Uncertain significance. Review status: criteria provided, multiple submitters, no conflicts (2 of 4 stars). 2 submissions from 2 submitters: Uncertain significance (2). Last evaluated 2025-12-03.

Conditions:
Inborn genetic diseases. Identifiers: MedGen C0950123, MeSH D030342.

Allele frequency attached by ClinVar (database versions not stated): gnomAD exomes 0.00002; TOPMed 0.00002; gnomAD 0.00003; ExAC 0.00005; 1000 Genomes Project 0.00020; 1000 Genomes Project 30x 0.00031.
gnomAD v4.1: 28 of 1,611,692 alleles (0.0017%); highest among the groups gnomAD compares: Middle Eastern, 0.066%; no homozygotes.

Submissions (2):

Ambry Genetics
Classification: Uncertain significance for Inborn genetic diseases. Last evaluated: 2025-12-03. Review status: criteria provided, single submitter. Criteria: Ambry Variant Classification Scheme 2023. Collection method: clinical testing. Allele origin: germline.

Labcorp Genetics (formerly Invitae), Labcorp
Classification: Uncertain significance. Last evaluated: 2023-12-09. Review status: criteria provided, single submitter. Criteria: Invitae Variant Classification Sherloc (09022015). Collection method: clinical testing. Allele origin: germline.
Comment: This sequence change replaces isoleucine, which is neutral and non-polar, with threonine, which is neutral and polar, at codon 664 of the ITGA8 protein (p.Ile664Thr). This variant is present in population databases (rs570337150, gnomAD 0.005%). This variant has not been reported in the literature in individuals affected with ITGA8-related conditions. Advanced modeling of protein sequence and biophysical properties (such as structural, functional, and spatial information, amino acid conservation, physicochemical variation, residue mobility, and thermodynamic stability) performed at Invitae indicates that this missense variant is not expected to disrupt ITGA8 protein function with a negative predictive value of 80%. In summary, the available evidence is currently insufficient to determine the role of this variant in disease. Therefore, it has been classified as a Variant of Uncertain Significance.

NM_003638.3(ITGA8):c.1991T>C (p.Ile664Thr)

Gene: ITGA8 (integrin subunit alpha 8; minus strand). Cytogenetic location: 10p13.
Variant type: single nucleotide variant.
Coding change: c.1991T>C on transcript NM_003638.3 (MANE Select); coding-DNA position 1991, T replaced by C.
Protein change: p.Ile664Thr; replaces isoleucine 664 with threonine.
Molecular consequence: missense variant.
Genome position (GRCh38, 1-based): chr10:15,604,335, A>G on the plus strand (T>C on the coding strand, the complement: ITGA8 is on the minus strand). VCF-style: chr10-15604335-A-G. GRCh37 (hg19) VCF-style: chr10-15646334-A-G.
Other names: c.1946T>C, p.Ile649Thr (NM_001291494.2); c.1991T>C (NM_003638.1); short protein forms I649T, I664T.
Identifiers: ClinVar variation 2894213 (VCV002894213.4), dbSNP rs570337150, ClinGen allele CA5419998.